The following is an entry in ClinVar:

NM_004172.5(SLC1A3):c.1624A>G (p.Met542Val)

Genes: SLC1A3 (solute carrier family 1 member 3; plus strand), SLC1A3-AS1 (SLC1A3 antisense RNA 1; minus strand). Cytogenetic location: 5p13.2.
Variant type: single nucleotide variant.
Coding change: c.1624A>G on transcript NM_004172.5 (MANE Select); coding-DNA position 1624, A replaced by G.
Protein change: p.Met542Val; replaces methionine 542 with valine.
Molecular consequence: missense variant.
Genome position (GRCh38, 1-based): chr5:36,686,264, A>G. VCF-style: chr5-36686264-A-G. GRCh37 (hg19) VCF-style: chr5-36686366-A-G.
Other names: c.1489A>G, p.Met497Val (NM_001166695.3, NM_001438459.1); c.1486A>G, p.Met496Val (NM_001289939.2); c.1288A>G, p.Met430Val (NM_001289940.2); c.1624A>G, p.Met542Val (NM_001438454.1, NM_001438455.1, NM_001438456.1 and 1 more transcripts); c.1765A>G, p.Met589Val (NM_001438458.1); c.1342A>G, p.Met448Val (NM_001438460.1); c.1324A>G, p.Met442Val (NM_001438461.1); c.1303A>G, p.Met435Val (NM_001438462.1); short protein forms M430V, M435V, M442V, M448V, M496V, M497V, M542V, M589V.
Identifiers: ClinVar variation 4682338 (VCV004682338.2).

ClinVar aggregate classification (germline): Uncertain significance. Review status: criteria provided, multiple submitters, no conflicts (2 of 4 stars). 2 submissions from 2 submitters: Uncertain significance (2). Last evaluated 2026-04-01.

Conditions:
Inborn genetic diseases. Identifiers: MedGen C0950123, MeSH D030342.

gnomAD v4.1: 11 of 1,609,192 alleles (0.00068%); highest among the groups gnomAD compares: Non-Finnish European, 0.00085%; no homozygotes.

Submissions (2):

Ambry Genetics
Classification: Uncertain significance for Inborn genetic diseases. Last evaluated: 2026-04-01. Review status: criteria provided, single submitter. Criteria: Ambry Variant Classification Scheme 2023. Collection method: clinical testing. Allele origin: germline.

Athena Diagnostics
Classification: Uncertain significance. Last evaluated: 2025-05-23. Review status: criteria provided, single submitter. Criteria: Athena Diagnostics Criteria. Collection method: clinical testing. Allele origin: unknown.
Comment: Available data are insufficient to determine the clinical significance of the variant at this time. This variant has not been reported in large, multi-ethnic general populations. Polyphen and MutationTaster predict this amino acid change may be benign.